The following is an entry in ClinVar:

NM_052874.5(STX1B):c.73C>G (p.Arg25Gly)

Gene: STX1B (syntaxin 1B; minus strand). Cytogenetic location: 16p11.2.
Variant type: single nucleotide variant.
Coding change: c.73C>G on transcript NM_052874.5 (MANE Select); coding-DNA position 73, C replaced by G.
Protein change: p.Arg25Gly; replaces arginine 25 with glycine.
Molecular consequence: missense variant.
Genome position (GRCh38, 1-based): chr16:31,001,561, G>C on the plus strand (C>G on the coding strand, the complement: STX1B is on the minus strand). VCF-style: chr16-31001561-G-C. GRCh37 (hg19) VCF-style: chr16-31012882-G-C.
Other names: short protein forms R25G.
Identifiers: ClinVar variation 1519506 (VCV001519506.8), dbSNP rs548580499, ClinGen allele CA8018512.
Genomic context (GRCh38, chr16:31,001,561, plus strand): 5'-GGGGCTGGGGGCCTTGGAGGCCCATTACCTGTTCAAAGAACTCATCCATGAAGTGGTCCC[G>C]ATCCACGTGGACCACCTCCTCTTCATCATCACTGTCTTTCGCCTGGGGACAAGGAAGGCT-3'
Protein context (NP_443106.1, residues 15-35): DDEEEVVHVD[Arg25Gly]DHFMDEFFEQ

ClinVar aggregate classification (germline): Uncertain significance (1 of 4 stars; one submission).

Conditions:
Generalized epilepsy with febrile seizures plus, type 9 (GEFSP9). Also called: GEFS+, TYPE 9. Identifiers: Orphanet 36387, MedGen C4015395, MONDO:0014517, OMIM 616172.

gnomAD v4.1: 4 of 1,613,160 alleles (0.00025%); highest among the groups gnomAD compares: Non-Finnish European, 0.00034%; no homozygotes.

Submission:

Labcorp Genetics (formerly Invitae), Labcorp
Classification: Uncertain significance for Generalized epilepsy with febrile seizures plus, type 9. Last evaluated: 2021-03-16. Review status: criteria provided, single submitter. Criteria: Invitae Variant Classification Sherloc (09022015). Collection method: clinical testing. Allele origin: germline.
Comment: This variant has not been reported in the literature in individuals with STX1B-related conditions. In summary, the available evidence is currently insufficient to determine the role of this variant in disease. Therefore, it has been classified as a Variant of Uncertain Significance. Algorithms developed to predict the effect of missense changes on protein structure and function (SIFT, PolyPhen-2, Align-GVGD) all suggest that this variant is likely to be tolerated, but these predictions have not been confirmed by published functional studies and their clinical significance is uncertain. This variant is present in population databases (rs548580499, ExAC 0.002%). This sequence change replaces arginine with glycine at codon 25 of the STX1B protein (p.Arg25Gly). The arginine residue is moderately conserved and there is a moderate physicochemical difference between arginine and glycine.